The following is an entry in ClinVar:

ClinVar aggregate classification (germline): Conflicting classifications of pathogenicity. Review status: criteria provided, conflicting classifications (1 of 4 stars). 8 submissions from 8 submitters: Uncertain significance (5); Likely benign (2). 1 of the submissions does not count toward it. Last evaluated 2025-12-10.

Conditions:
BRCA1-related disorder. Also called: BRCA1-related condition.
Breast-ovarian cancer, familial, susceptibility to, 1 (BROVCA1). Also called: BRCA1 Hereditary Breast and Ovarian Cancer; OVARIAN CANCER, SUSCEPTIBILITY TO. Identifiers: Orphanet 145, MedGen C2676676, MONDO:0011450, OMIM 604370. Disease mechanism: loss of function.
Hereditary cancer-predisposing syndrome. Also called: Hereditary Cancer Syndrome; Hereditary neoplastic syndrome; Neoplastic Syndromes, Hereditary; Tumor predisposition. Identifiers: Orphanet 140162, MedGen C0027672, MeSH D009386, MONDO:0015356.
Hereditary breast ovarian cancer syndrome. Also called: BRCA1- and BRCA2-Associated Hereditary Breast and Ovarian Cancer; Hereditary breast and ovarian cancer syndrome; Hereditary breast and ovarian cancer syndrome (HBOC); Breast and ovarian cancer; Hereditary breast and/or ovarian cancer syndrome; Hereditary breast and ovarian cancer. Identifiers: Orphanet 145, MedGen C0677776, MeSH D061325, MONDO:0003582. Disease mechanism: loss of function.

Allele frequency attached by ClinVar (database versions not stated): TOPMed below 0.00001.

Submissions (8):

PreventionGenetics, part of Exact Sciences
Classification: Uncertain significance for BRCA1-related condition. Last evaluated: 2025-12-10. Review status: criteria provided, single submitter. Criteria: ACMG Guidelines, 2015. Collection method: clinical testing. Allele origin: germline.
Comment: The BRCA1 c.4631C>T variant is predicted to result in the amino acid substitution p.Pro1544Leu. This variant has been reported in individuals receiving cancer-related genetic testing; however, no additional details to support pathogenicity were provided (Judkins et al. 2005. PubMed ID: 16267036; Supplementary Table 3, Li et al. 2020. PubMed ID: 31853058). This variant has not been reported in a large population database (gnomAD), indicating it is rare. Experimental studies indicate this variant does not impact protein function (Woods et al. 2016. PubMed ID: 28781887), and a multifactorial likelihood analysis classified it as likely benign (Parsons et al. 2019. PubMed ID: 31131967). This variant has conflicting interpretations in ClinVar ranging from uncertain to likely benign (Variation ID: 55244). Although we suspect this variant may be benign, at this time, the clinical significance of this variant is uncertain due to the absence of conclusive functional and genetic evidence.

Labcorp Genetics (formerly Invitae), Labcorp
Classification: Likely benign for Hereditary breast ovarian cancer syndrome. Last evaluated: 2025-10-15. Review status: criteria provided, single submitter. Criteria: Invitae Variant Classification Sherloc (09022015). Collection method: clinical testing. Allele origin: germline.

All of Us Research Program, National Institutes of Health
Classification: Uncertain significance for Breast-ovarian cancer, familial, susceptibility to, 1. Last evaluated: 2023-12-01. Review status: criteria provided, single submitter. Criteria: ACMG Guidelines, 2015. Collection method: clinical testing. Allele origin: germline. Inheritance: Autosomal dominant inheritance. Observed: 2 variant alleles, 2 heterozygotes.
Comment: This missense variant replaces proline with leucine at codon 1544 of the BRCA1 protein. Computational prediction suggests that this variant may not impact protein structure and function (internally defined REVEL score threshold <= 0.5, PMID: 27666373). A functional study reported that this variant does not disrupt BRCA1 function in a transcription activation assay (PMID: 28781887). This variant has been reported in among individuals who underwent cancer genetic testing (PMID: 16267036), and a multifactorial analysis has reported likelihood ratios for pathogenicity based on tumor pathology, co-occurrence and family history of 0.21, 1.0331 and 1.2022, respectively (PMID: 31131967). This variant has not been identified in the general population by the Genome Aggregation Database (gnomAD). The available evidence is insufficient to determine the role of this variant in disease conclusively. Therefore, this variant is classified as a Variant of Uncertain Significance.

This study involves interpretation of variants in research participants for the purpose of population health screening. Participant phenotype was not available at the time of variant classification. Additional details can be found in publication PMID: 35346344, PMCID: PMC8962531

Color Diagnostics, LLC DBA Color Health
Classification: Uncertain significance for Hereditary cancer-predisposing syndrome. Last evaluated: 2022-11-18. Review status: criteria provided, single submitter. Criteria: ACMG Guidelines, 2015. Collection method: clinical testing. Allele origin: germline.
Comment: This missense variant replaces proline with leucine at codon 1544 of the BRCA1 protein. Computational prediction suggests that this variant may not impact protein structure and function (internally defined REVEL score threshold <= 0.5, PMID: 27666373). A functional study reported that this variant does not disrupt BRCA1 function in a transcription activation assay (PMID: 28781887). This variant has been reported in among individuals who underwent cancer genetic testing (PMID: 16267036), and a multifactorial analysis has reported likelihood ratios for pathogenicity based on tumor pathology, co-occurrence and family history of 0.21, 1.0331 and 1.2022, respectively (PMID: 31131967). This variant has not been identified in the general population by the Genome Aggregation Database (gnomAD). The available evidence is insufficient to determine the role of this variant in disease conclusively. Therefore, this variant is classified as a Variant of Uncertain Significance.

Ambry Genetics
Classification: Likely benign for Hereditary cancer-predisposing syndrome. Last evaluated: 2021-02-16. Review status: criteria provided, single submitter. Criteria: Ambry Variant Classification Scheme 2023. Collection method: clinical testing. Allele origin: germline.

Women's Health and Genetics/Laboratory Corporation of America, LabCorp
Classification: Uncertain significance. Last evaluated: 2019-05-06. Review status: criteria provided, single submitter. Criteria: LabCorp Variant Classification Summary - May 2015. Collection method: clinical testing. Allele origin: germline.
Comment: Variant summary: BRCA1 c.4631C>T (p.Pro1544Leu) results in a non-conservative amino acid change in the encoded protein sequence. Three of five in-silico tools predict a benign effect of the variant on protein function. The variant was absent in 251334 control chromosomes (gnomAD). The available data on variant occurrences in the general population are insufficient to allow any conclusion about variant significance. c.4631C>T has been reported in the literature in individuals affected with Hereditary Breast and Ovarian Cancer (Judkins 2005). However, this report does not provide unequivocal conclusions about association of the variant with Hereditary Breast and Ovarian Cancer. A recent study classifies this variant as likely not pathogenic based on their multifactorial likelihood analysis (Thompson 2016). One functional study demonstrated that the variant results in a protein that has a stronger transcriptional activity than the wild type, and therefore the authors of the study classified the variant as "likely not pathogenic" (Woods 2016). No clinical diagnostic laboratories have submitted clinical-significance assessments for this variant to ClinVar after 2014. Based on the evidence outlined above, the variant was classified as uncertain significance.

GeneDx
Classification: Uncertain significance. Last evaluated: 2014-10-15. Review status: criteria provided, single submitter. Criteria: GeneDx Variant Classification (06012015). Collection method: clinical testing. Allele origin: germline. Affected: yes.
Comment: This variant is denoted BRCA1 c.4631C>T at the cDNA level, p.Pro1544Leu (P1544L) at the protein level, and results in the change of a Proline to a Leucine (CCA>CTA). This variant has been reported once in the Breast Cancer Information Core (BIC) database and is listed as having unknown clinical significance (Judkins 2005). BRCA1 Pro1544Leu was not observed in approximately 6,500 individuals of European and African American ancestry in the NHLBI Exome Sequencing Project, indicating it is not a common benign variant in these populations. Since Proline and Leucine differ in some properties, this is considered a semi-conservative amino acid substitution. BRCA1 Pro1544Leu occurs at a position that is variable across species and is not located in a known functional domain. In silico analyses predict that this variant is unlikely to alter protein structure or function. Based on currently available information, it is unclear whether BRCA1 Pro1544Leu is pathogenic or benign. We consider it to be a variant of uncertain significance.

Breast Cancer Information Core (BIC) (BRCA1)
Classification: Uncertain significance for Breast-ovarian cancer, familial 1. Last evaluated: 2004-02-20. Review status: no assertion criteria provided. Collection method: clinical testing. Allele origin: germline. Affected: yes. Observed: 1 variant allele. Not counted in ClinVar's aggregate classification.

Literature cited by the submitters: PubMed 16267036 (cited by 3 submitters); PubMed 28781887 (cited by 4 submitters); PubMed 31131967 (cited by All of Us Research Program, National Institutes of Health and Color Diagnostics, LLC DBA Color Health); PubMed 15385441 (cited by Women's Health and Genetics/Laboratory Corporation of America, LabCorp); PubMed 23704879 (cited by Women's Health and Genetics/Laboratory Corporation of America, LabCorp).

NM_007294.4(BRCA1):c.4631C>T (p.Pro1544Leu)

Gene: BRCA1 (BRCA1 DNA repair associated; minus strand). Cytogenetic location: 17q21.31.
Variant type: single nucleotide variant.
Coding change: c.4631C>T on transcript NM_007294.4 (MANE Select); coding-DNA position 4631, C replaced by T.
Protein change: p.Pro1544Leu; replaces proline 1544 with leucine.
Molecular consequence: missense variant. On other transcripts: non-coding transcript variant (1).
Genome position (GRCh38, 1-based): chr17:43,074,375, G>A on the plus strand (C>T on the coding strand, the complement: BRCA1 is on the minus strand). VCF-style: chr17-43074375-G-A. GRCh37 (hg19) VCF-style: chr17-41226392-G-A.
Other names: c.1319C>T, p.Pro440Leu (NM_001407986.1, NM_001407990.1, NM_001407991.1 and 13 more transcripts); c.1316C>T, p.Pro439Leu (NM_001408392.1, NM_001408396.1, NM_001408397.1 and 8 more transcripts); c.4505C>T, p.Pro1502Leu (NM_001407671.1, NM_001407672.1, NM_001407673.1 and 11 more transcripts); c.4628C>T, p.Pro1543Leu (NM_001407611.1, NM_001407612.1, NM_001407613.1 and 17 more transcripts); c.4625C>T, p.Pro1542Leu (NM_001407630.1, NM_001407631.1, NM_001407632.1 and 14 more transcripts); c.4631C>T, p.Pro1544Leu (NM_001407652.1, NM_001407593.1, NM_001407594.1 and 8 more transcripts); c.4553C>T, p.Pro1518Leu (NM_001407653.1, NM_001407654.1, NM_001407655.1); c.4550C>T, p.Pro1517Leu (NM_001407656.1, NM_001407657.1, NM_001407658.1); and 68 more; short protein forms P1544L, P1497L, P1565L, P440L, P1247L, P1454L, P1501L, P1525L.
Identifiers: ClinVar variation 55244 (VCV000055244.27), dbSNP rs80356917, ClinGen allele CA002935.